The following is an entry in ClinVar:

ClinVar aggregate classification (germline): Conflicting classifications of pathogenicity. Review status: criteria provided, conflicting classifications (1 of 4 stars). 4 submissions from 4 submitters: Likely pathogenic (2); Uncertain significance (1). 1 of the submissions does not count toward it. Last evaluated 2026-04-29.

Conditions:
Lipoic acid synthetase deficiency. Also called: HYPERGLYCINEMIA, LACTIC ACIDOSIS, AND SEIZURES. Identifiers: Orphanet 401859, MedGen C3280887, MONDO:0013762, OMIM 614462.

Allele frequency attached by ClinVar (database versions not stated): gnomAD exomes below 0.00001; TOPMed below 0.00001; ExAC 0.00001; gnomAD 0.00001; ESP Exome Variant Server 0.00008.
gnomAD v4.1: 27 of 1,607,104 alleles (0.0017%); highest among the groups gnomAD compares: East Asian, 0.0022%; no homozygotes.

Submissions (4):

GeneDx
Classification: Likely pathogenic. Last evaluated: 2026-04-29. Review status: criteria provided, single submitter. Criteria: GeneDx Variant Classification Process June 2021. Collection method: clinical testing. Allele origin: germline.
Comment: Published functional studies suggest this variant causes deficient growth in the absence of lipoic acid; however, additional studies are needed to validate the functional effect of this variant in vivo (PMID: 22152680); Not observed at significant frequency in large population cohorts (gnomAD); In silico analysis supports that this missense variant has a deleterious effect on protein structure/function; This variant is associated with the following publications: (PMID: 27923773, 36680912, 33562493, 22152680, 24334290, 40640146)

Mayo Clinic Laboratories, Mayo Clinic
Classification: Likely pathogenic. Last evaluated: 2023-12-20. Review status: criteria provided, single submitter. Criteria: ACMG Guidelines, 2015. Collection method: clinical testing. Allele origin: germline. Observed: 1 variant allele.
Comment: PP3, PP4, PM2_moderate, PM3_supporting, PS3_moderate

Labcorp Genetics (formerly Invitae), Labcorp
Classification: Uncertain significance for Pyruvate dehydrogenase lipoic acid synthetase deficiency. Last evaluated: 2018-04-10. Review status: criteria provided, single submitter. Criteria: Invitae Variant Classification Sherloc (09022015). Collection method: clinical testing. Allele origin: germline.
Comment: This sequence change replaces arginine with histidine at codon 249 of the LIAS protein (p.Arg249His). The arginine residue is highly conserved and there is a small physicochemical difference between arginine and histidine. This variant is present in population databases (rs144133667, ExAC 0.002%). This variant has been reported in an individual affected withÂ¬â€ neonatal-onset epilepsy, muscular hypotonia, lactic acidosis, and elevated glycine (PMID: 22152680). ClinVar contains an entry for this variant (Variation ID: 30629). Experimental studies have shown that this missense change alters lipoic acid metabolism (PMID: 2152680, 27923773). In summary, the available evidence is currently insufficient to determine the role of this variant in disease. Therefore, it has been classified as a Variant of Uncertain Significance.

OMIM
Classification: Pathogenic for HYPERGLYCINEMIA, LACTIC ACIDOSIS, AND SEIZURES. Last evaluated: 2011-12-09. Review status: no assertion criteria provided. Collection method: literature only. Allele origin: germline. Not counted in ClinVar's aggregate classification.

Literature cited by the submitters: PubMed 22152680 (cited by 3 submitters); PubMed 24334290 (cited by Mayo Clinic Laboratories, Mayo Clinic); PubMed 26108146 (cited by Mayo Clinic Laboratories, Mayo Clinic); PubMed 27923773 (cited by Mayo Clinic Laboratories, Mayo Clinic and Labcorp Genetics (formerly Invitae), Labcorp); PubMed 33562493 (cited by Mayo Clinic Laboratories, Mayo Clinic); PubMed 2152680 (cited by Labcorp Genetics (formerly Invitae), Labcorp).

NM_006859.4(LIAS):c.746G>A (p.Arg249His)

Gene: LIAS (lipoic acid synthetase; plus strand). Cytogenetic location: 4p14.
Variant type: single nucleotide variant.
Coding change: c.746G>A on transcript NM_006859.4 (MANE Select); coding-DNA position 746, G replaced by A.
Protein change: p.Arg249His; replaces arginine 249 with histidine.
Molecular consequence: missense variant.
Genome position (GRCh38, 1-based): chr4:39,470,027, G>A. VCF-style: chr4-39470027-G-A. GRCh37 (hg19) VCF-style: chr4-39471647-G-A.
Other names: c.617G>A, p.Arg206His (NM_001278590.2); c.437G>A, p.Arg146His (NM_001363700.2); c.746G>A, p.Arg249His (NM_194451.3); c.746G>A (NM_006859.2); short protein forms R249H, R146H, R206H.
Identifiers: ClinVar variation 30629 (VCV000030629.4), dbSNP rs144133667, ClinGen allele CA129378.